The following is an entry in ClinVar:

ClinVar aggregate classification (germline): Uncertain significance (1 of 4 stars; one submission).

Conditions:
Cardiovascular phenotype. Identifiers: MedGen CN230736.

gnomAD v4.1: 4 of 1,614,020 alleles (0.00025%); highest among the groups gnomAD compares: African/African-American, 0.004%; no homozygotes.

Submission:

Ambry Genetics
Classification: Uncertain significance for Cardiovascular phenotype. Last evaluated: 2024-07-24. Review status: criteria provided, single submitter. Criteria: Ambry Variant Classification Scheme 2023. Collection method: clinical testing. Allele origin: germline.
Comment: The p.N392K variant (also known as c.1176C>A), located in coding exon 10 of the LAMA4 gene, results from a C to A substitution at nucleotide position 1176. The asparagine at codon 392 is replaced by lysine, an amino acid with similar properties. This amino acid position is not well conserved in available vertebrate species. In addition, this alteration is predicted to be tolerated by in silico analysis. Since supporting evidence is limited at this time, the clinical significance of this alteration remains unclear.

NM_001105206.3(LAMA4):c.1197C>A (p.Asn399Lys)

Gene: LAMA4 (laminin subunit alpha 4; minus strand). Cytogenetic location: 6q21.
Variant type: single nucleotide variant.
Coding change: c.1197C>A on transcript NM_001105206.3 (MANE Select); coding-DNA position 1197, C replaced by A.
Protein change: p.Asn399Lys; replaces asparagine 399 with lysine.
Molecular consequence: missense variant.
Genome position (GRCh38, 1-based): chr6:112,175,473, G>T on the plus strand (C>A on the coding strand, the complement: LAMA4 is on the minus strand). VCF-style: chr6-112175473-G-T. GRCh37 (hg19) VCF-style: chr6-112496675-G-T.
Other names: c.1176C>A, p.Asn392Lys (NM_001105207.3, NM_002290.5); short protein forms N399K, N392K.
Identifiers: ClinVar variation 1740702 (VCV001740702.3), dbSNP rs376451323, ClinGen allele CA365372437.